The following is an entry in ClinVar:

NC_000016.9:g.(?_90102021)_(90106937_?)del

Gene: GAS8 (growth arrest specific 8; plus strand). Cytogenetic location: 16q24.3.
Variant type: Deletion.
Identifiers: ClinVar variation 1511700 (VCV001511700.4).

ClinVar aggregate classification (germline): Uncertain significance (1 of 4 stars; one submission).

Conditions:
Primary ciliary dyskinesia 33. Also called: CILIARY DYSKINESIA, PRIMARY, 33, WITHOUT SITUS INVERSUS. Identifiers: Orphanet 244, MedGen C4225230, MONDO:0014750, OMIM 616726.

Submission:

Labcorp Genetics (formerly Invitae), Labcorp
Classification: Uncertain significance for Primary ciliary dyskinesia 33. Last evaluated: 2021-08-16. Review status: criteria provided, single submitter. Criteria: Invitae Variant Classification Sherloc (09022015). Collection method: clinical testing. Allele origin: germline.
Comment: This variant is a gross deletion of the genomic region encompassing exon(s) 5-9 of the GAS8 gene. This variant would be expected to be in-frame, preserving the integrity of the reading frame. This variant has not been reported in the literature in individuals affected with GAS8-related conditions. This variant disrupts a region of the GAS8 protein in which other variant(s) (p.Ala391Val) have been observed in individuals with GAS8-related conditions (PMID: 27472056). This suggests that this is a clinically significant region of the protein, and that variants that disrupt it are likely to be disease-causing. In summary, the available evidence is currently insufficient to determine the role of this variant in disease. Therefore, it has been classified as a Variant of Uncertain Significance.

Literature cited by the submitters: PubMed 27472056.